The following is an entry in ClinVar:

ClinVar aggregate classification (germline): Uncertain significance. Review status: criteria provided, multiple submitters, no conflicts (2 of 4 stars). 2 submissions from 2 submitters: Uncertain significance (2). Last evaluated 2024-11-19.

Allele frequency attached by ClinVar (database versions not stated): gnomAD 0.00001; TOPMed 0.00001; ExAC 0.00002; gnomAD exomes 0.00003.
gnomAD v4.1: 48 of 1,614,088 alleles (0.003%); highest among the groups gnomAD compares: Non-Finnish European, 0.0041%; no homozygotes.

Submissions (2):

Labcorp Genetics (formerly Invitae), Labcorp
Classification: Uncertain significance. Last evaluated: 2024-11-19. Review status: criteria provided, single submitter. Criteria: Invitae Variant Classification Sherloc (09022015). Collection method: clinical testing. Allele origin: germline.
Comment: This sequence change replaces asparagine, which is neutral and polar, with serine, which is neutral and polar, at codon 2359 of the TRRAP protein (p.Asn2359Ser). This variant is present in population databases (rs750324066, gnomAD 0.003%). This variant has not been reported in the literature in individuals affected with TRRAP-related conditions. ClinVar contains an entry for this variant (Variation ID: 2437376). Invitae Evidence Modeling of protein sequence and biophysical properties (such as structural, functional, and spatial information, amino acid conservation, physicochemical variation, residue mobility, and thermodynamic stability) indicates that this missense variant is not expected to disrupt TRRAP protein function with a negative predictive value of 80%. In summary, the available evidence is currently insufficient to determine the role of this variant in disease. Therefore, it has been classified as a Variant of Uncertain Significance.

Revvity Omics, Revvity
Classification: Uncertain significance. Last evaluated: 2019-09-08. Review status: criteria provided, single submitter. Criteria: ACMG Guidelines, 2015. Collection method: clinical testing. Allele origin: germline.

NM_001375524.1(TRRAP):c.7151A>G (p.Asn2384Ser)

Gene: TRRAP (transformation/transcription domain associated protein; plus strand). Cytogenetic location: 7q22.1.
Variant type: single nucleotide variant.
Coding change: c.7151A>G on transcript NM_001375524.1 (MANE Select); coding-DNA position 7151, A replaced by G.
Protein change: p.Asn2384Ser; replaces asparagine 2384 with serine.
Molecular consequence: missense variant.
Genome position (GRCh38, 1-based): chr7:98,965,870, A>G. VCF-style: chr7-98965870-A-G. GRCh37 (hg19) VCF-style: chr7-98563493-A-G.
Other names: c.7130A>G, p.Asn2377Ser (NM_001244580.2); c.7076A>G, p.Asn2359Ser (NM_003496.4); short protein forms N2359S, N2377S, N2384S.
Identifiers: ClinVar variation 2437376 (VCV002437376.6), dbSNP rs750324066, ClinGen allele CA4361062.
Genomic context (GRCh38, chr7:98,965,870, plus strand): 5'-AATCACCAGATGCCAAAATCCTCCGGGCTGTGGTCAAAATCGTGGAAGAATGGGTCAAGA[A>G]TAACTCCCCAATGGCAGCCAATCAGGTGAGCTGGGACGGTGTGCCATGTGATCTCCCTTT-3'
Protein context (NP_001362453.1, residues 2374-2394): VVKIVEEWVK[Asn2384Ser]NSPMAANQTP